The following is an entry in ClinVar:

ClinVar aggregate classification (germline): Uncertain significance (1 of 4 stars; one submission).

Submission:

Labcorp Genetics (formerly Invitae), Labcorp
Classification: Uncertain significance. Last evaluated: 2022-03-11. Review status: criteria provided, single submitter. Criteria: Invitae Variant Classification Sherloc (09022015). Collection method: clinical testing. Allele origin: germline.
Comment: In summary, the available evidence is currently insufficient to determine the role of this variant in disease. Therefore, it has been classified as a Variant of Uncertain Significance. Algorithms developed to predict the effect of missense changes on protein structure and function are either unavailable or do not agree on the potential impact of this missense change (SIFT: "Deleterious"; PolyPhen-2: "Probably Damaging"; Align-GVGD: "Class C0"). This variant has not been reported in the literature in individuals affected with ZNF408-related conditions. This variant is not present in population databases (gnomAD no frequency). This sequence change replaces leucine, which is neutral and non-polar, with arginine, which is basic and polar, at codon 622 of the ZNF408 protein (p.Leu622Arg).

NM_024741.3(ZNF408):c.1865T>G (p.Leu622Arg)

Gene: ZNF408 (zinc finger protein 408; plus strand). Cytogenetic location: 11p11.2.
Variant type: single nucleotide variant.
Coding change: c.1865T>G on transcript NM_024741.3 (MANE Select); coding-DNA position 1865, T replaced by G.
Protein change: p.Leu622Arg; replaces leucine 622 with arginine.
Molecular consequence: missense variant.
Genome position (GRCh38, 1-based): chr11:46,705,565, T>G. VCF-style: chr11-46705565-T-G. GRCh37 (hg19) VCF-style: chr11-46727115-T-G.
Other names: c.1841T>G, p.Leu614Arg (NM_001184751.2); short protein forms L622R, L614R.
Identifiers: ClinVar variation 2109345 (VCV002109345.4), dbSNP rs2502797152, ClinGen allele CA380257691.
Genomic context (GRCh38, chr11:46,705,565, plus strand): 5'-TGGAGGACAAGCCCTACCGCTGCCCCACCTGTGGCATGGGCTACACCCTCCCGCAGAGCC[T>G]CAGGCGGCATCAGCTCAGTCACCGGCCTGAGGCACCCTGCAGCCCACCCTCTGTGCCTTC-3'
Protein context (NP_079017.1, residues 612-632): CGMGYTLPQS[Leu622Arg]RRHQLSHRPE